The following is an entry in ClinVar:

NM_014140.4(SMARCAL1):c.2528+5G>C

Gene: SMARCAL1 (SNF2 related chromatin remodeling annealing helicase 1; plus strand). Cytogenetic location: 2q35.
Variant type: single nucleotide variant.
Coding change: c.2528+5G>C on transcript NM_014140.4 (MANE Select); 5 bases into the intron after coding-DNA position 2528, G replaced by C.
Molecular consequence: intron variant.
Genome position (GRCh38, 1-based): chr2:216,477,214, G>C. VCF-style: chr2-216477214-G-C. GRCh37 (hg19) VCF-style: chr2-217341937-G-C.
Other names: c.2528+5G>C (NM_001127207.2).
Identifiers: ClinVar variation 287872 (VCV000287872.22), dbSNP rs145908212, ClinGen allele CA2098222.

ClinVar aggregate classification (germline): Conflicting classifications of pathogenicity. Review status: criteria provided, conflicting classifications (1 of 4 stars). 6 submissions from 6 submitters: Uncertain significance (2); Likely benign (2). 2 of the submissions do not count toward it. Last evaluated 2026-05-20.

Conditions:
Schimke immuno-osseous dysplasia (SIOD). Also called: Schimke Immunoosseous Dysplasia. Identifiers: Orphanet 1830, MedGen C0877024, MONDO:0009458, OMIM 242900.
Focal segmental glomerulosclerosis (FSGS). Also called: Glomerulosclerosis, focal; Focal sclerosis with hyalinosis. Identifiers: MedGen C0017668, MONDO:0100313, HP:0000097. Disease mechanism: loss of function.
SMARCAL1-related disorder. Also called: SMARCAL1-related condition.

Allele frequency attached by ClinVar (database versions not stated): gnomAD 0.00125 and 0.00131; TOPMed 0.00151; ExAC 0.00083; ESP Exome Variant Server 0.00200; 1000 Genomes Project 0.00160; 1000 Genomes Project 30x 0.00172.
gnomAD v4.1: 382 of 1,575,828 alleles (0.024%); highest among the groups gnomAD compares: African/African-American, 0.46%; 1 homozygote.

Submissions (7):

Women's Health and Genetics/Laboratory Corporation of America, LabCorp
Classification: Likely benign. Last evaluated: 2026-05-20. Review status: criteria provided, single submitter. Criteria: LabCorp Variant Classification Summary - May 2015. Collection method: clinical testing. Allele origin: germline.
Comment: Variant summary: SMARCAL1 c.2528+5G>C alters a conserved nucleotide located close to a canonical splice site and therefore could affect mRNA splicing, leading to a significantly altered protein sequence. Several computational tools predict a significant impact on normal splicing: One predicts the variant abolishes a canonical 3' acceptor site and three predict the variant weakens this site. However, these predictions have yet to be confirmed by functional studies. The variant allele was found at a frequency of 0.00029 in 193870 control chromosomes, predominantly at a frequency of 0.0043 within the African or African-American subpopulation in the gnomAD database. The observed variant frequency within African or African-American control individuals in the gnomAD database exceeds the estimated maximal expected allele frequency for disease-causing variants in SMARCAL1. To our knowledge, no occurrence of c.2528+5G>C in individuals affected with SMARCAL1-related conditions and no experimental evidence demonstrating its impact on protein function have been reported. ClinVar contains an entry for this variant (Variation ID: 287872). Based on the evidence outlined above, the variant was classified as likely benign.

Labcorp Genetics (formerly Invitae), Labcorp
Classification: Likely benign for Schimke immuno-osseous dysplasia. Last evaluated: 2026-01-26. Review status: criteria provided, single submitter. Criteria: Invitae Variant Classification Sherloc (09022015). Collection method: clinical testing. Allele origin: germline.

Genome Diagnostics Laboratory, The Hospital for Sick Children
Classification: Uncertain significance for Focal segmental glomerulosclerosis. Last evaluated: 2021-06-04. Review status: criteria provided, single submitter. Criteria: ACMG Guidelines, 2015. Collection method: clinical testing. Allele origin: germline.

Eurofins Ntd Llc (ga)
Classification: Uncertain significance. Last evaluated: 2018-04-03. Review status: criteria provided, single submitter. Criteria: EGL ClinVar v180209 classification definitions. Collection method: clinical testing. Allele origin: germline. Observed: 3 variant alleles, 3 heterozygotes.

PreventionGenetics, part of Exact Sciences
Classification: Likely benign for SMARCAL1-related condition. Last evaluated: 2024-09-26. Review status: no assertion criteria provided. Collection method: clinical testing. Allele origin: germline. Not counted in ClinVar's aggregate classification.
Comment: This variant is classified as likely benign based on ACMG/AMP sequence variant interpretation guidelines (Richards et al. 2015 PMID: 25741868, with internal and published modifications).

Natera, Inc.
Classification: Uncertain significance for Schimke immuno-osseous dysplasia. Last evaluated: 2020-01-24. Review status: no assertion criteria provided. Collection method: clinical testing. Allele origin: germline. Not counted in ClinVar's aggregate classification.

Dr. Peter K. Rogan Lab, Western University
No classification provided (evidence only). Condition: Uterine corpus endometrial carcinoma. Review status: no classification provided. Collection method: in vitro. Allele origin: not applicable. Functional consequence: retained intron. Not counted in ClinVar's aggregate classification.